The following is an entry in ClinVar:

NM_000384.3(APOB):c.10363T>C (p.Ser3455Pro)

Gene: APOB (apolipoprotein B; minus strand). Cytogenetic location: 2p24.1.
Variant type: single nucleotide variant.
Coding change: c.10363T>C on transcript NM_000384.3 (MANE Select); coding-DNA position 10363, T replaced by C.
Protein change: p.Ser3455Pro; replaces serine 3455 with proline.
Molecular consequence: missense variant.
Genome position (GRCh38, 1-based): chr2:21,006,505, A>G on the plus strand (T>C on the coding strand, the complement: APOB is on the minus strand). VCF-style: chr2-21006505-A-G. GRCh37 (hg19) VCF-style: chr2-21229377-A-G.
Other names: short protein forms S3455P.
Identifiers: ClinVar variation 2187612 (VCV002187612.4), dbSNP rs965703125, ClinGen allele CA43495909.

ClinVar aggregate classification (germline): Uncertain significance (1 of 4 stars; one submission).

Conditions:
Familial hypobetalipoproteinemia 1. Also called: APOB-Related Familial Hypobetalipoproteinemia; Hypobetalipoproteinemia, normotriglyceridemic; Acanthocytosis with hypobetalipoproteinemia. Identifiers: MedGen C4551990, MONDO:0014252, OMIM 615558.
Hypercholesterolemia, autosomal dominant, type B (FHCL2). Also called: Familial Hypercholesterolemia Type B; APOLIPOPROTEIN B-100, FAMILIAL DEFECTIVE; APOLIPOPROTEIN B-100, FAMILIAL LIGAND-DEFECTIVE; HYPERCHOLESTEROLEMIA, FAMILIAL, DUE TO LIGAND-DEFECTIVE APOLIPOPROTEIN B; Hyperlipoproteinemia Type IIb; APOB-Related Familial Hypercholesterolemia, Autosomal Dominant. Identifiers: MedGen C1704417, MONDO:0007751, OMIM 144010.

Allele frequency attached by ClinVar (database versions not stated): gnomAD exomes below 0.00001.
gnomAD v4.1: 2 of 1,614,156 alleles (0.00012%); highest among the groups gnomAD compares: Non-Finnish European, 0.00017%; no homozygotes.

Submission:

Labcorp Genetics (formerly Invitae), Labcorp
Classification: Uncertain significance for Familial hypobetalipoproteinemia 1; Hypercholesterolemia, autosomal dominant, type B. Last evaluated: 2023-10-13. Review status: criteria provided, single submitter. Criteria: Invitae Variant Classification Sherloc (09022015). Collection method: clinical testing. Allele origin: germline.
Comment: This sequence change replaces serine, which is neutral and polar, with proline, which is neutral and non-polar, at codon 3455 of the APOB protein (p.Ser3455Pro). This variant is not present in population databases (gnomAD no frequency). This variant has not been reported in the literature in individuals affected with APOB-related conditions. ClinVar contains an entry for this variant (Variation ID: 2187612). Advanced modeling of protein sequence and biophysical properties (such as structural, functional, and spatial information, amino acid conservation, physicochemical variation, residue mobility, and thermodynamic stability) has been performed at Invitae for this missense variant, however the output from this modeling did not meet the statistical confidence thresholds required to predict the impact of this variant on APOB protein function. In summary, the available evidence is currently insufficient to determine the role of this variant in disease. Therefore, it has been classified as a Variant of Uncertain Significance.